The following is an entry in ClinVar:

NM_001264.5(CDSN):c.1004G>C (p.Gly335Ala)

Genes: CDSN (corneodesmosin; minus strand), PSORS1C1 (psoriasis susceptibility 1 candidate 1; plus strand). Cytogenetic location: 6p21.33.
Variant type: single nucleotide variant.
Coding change: c.1004G>C on transcript NM_001264.5 (MANE Select); coding-DNA position 1004, G replaced by C.
Protein change: p.Gly335Ala; replaces glycine 335 with alanine.
Molecular consequence: missense variant. On other transcripts: intron variant (1).
Genome position (GRCh38, 1-based): chr6:31,116,611, C>G on the plus strand (G>C on the coding strand, the complement: CDSN is on the minus strand). VCF-style: chr6-31116611-C-G. GRCh37 (hg19) VCF-style: chr6-31084388-C-G.
Other names: c.1004G>C (NM_001264.4); c.-229+1720C>G (NM_014068.3); short protein forms G335A.
Identifiers: ClinVar variation 2768155 (VCV002768155.4), dbSNP rs151161637, ClinGen allele CA3708394.

ClinVar aggregate classification (germline): Uncertain significance. Review status: criteria provided, multiple submitters, no conflicts (2 of 4 stars). 2 submissions from 2 submitters: Uncertain significance (2). Last evaluated 2024-11-19.

Conditions:
Inborn genetic diseases. Identifiers: MedGen C0950123, MeSH D030342.

Allele frequency attached by ClinVar (database versions not stated): gnomAD 0.00004; ExAC 0.00005; TOPMed 0.00006; ESP Exome Variant Server 0.00008; gnomAD exomes 0.00018.
gnomAD v4.1: 258 of 1,613,230 alleles (0.016%); highest among the groups gnomAD compares: Non-Finnish European, 0.021%; no homozygotes.

Submissions (2):

Ambry Genetics
Classification: Uncertain significance for Inborn genetic diseases. Last evaluated: 2024-11-19. Review status: criteria provided, single submitter. Criteria: Ambry Variant Classification Scheme 2023. Collection method: clinical testing. Allele origin: germline.

Labcorp Genetics (formerly Invitae), Labcorp
Classification: Uncertain significance. Last evaluated: 2023-04-23. Review status: criteria provided, single submitter. Criteria: Invitae Variant Classification Sherloc (09022015). Collection method: clinical testing. Allele origin: germline.
Comment: Algorithms developed to predict the effect of missense changes on protein structure and function output the following: SIFT: "Not Available"; PolyPhen-2: "Not Available"; Align-GVGD: "Not Available". The alanine amino acid residue is found in multiple mammalian species, which suggests that this missense change does not adversely affect protein function. In summary, the available evidence is currently insufficient to determine the role of this variant in disease. Therefore, it has been classified as a Variant of Uncertain Significance. This variant has not been reported in the literature in individuals affected with CDSN-related conditions. This variant is present in population databases (rs151161637, gnomAD 0.01%). This sequence change replaces glycine, which is neutral and non-polar, with alanine, which is neutral and non-polar, at codon 335 of the CDSN protein (p.Gly335Ala).